The following is an entry in ClinVar:

NM_003072.5(SMARCA4):c.1533G>A (p.Thr511=)

Gene: SMARCA4 (SWI/SNF related BAF chromatin remodeling complex subunit ATPase 4; plus strand). Cytogenetic location: 19p13.2.
Variant type: single nucleotide variant.
Coding change: c.1533G>A on transcript NM_003072.5 (MANE Select); coding-DNA position 1533, G replaced by A.
Protein change: p.Thr511=; no amino-acid change (threonine 511 retained).
Molecular consequence: synonymous variant. On other transcripts: non-coding transcript variant (1).
Genome position (GRCh38, 1-based): chr19:10,994,941, G>A. VCF-style: chr19-10994941-G-A. GRCh37 (hg19) VCF-style: chr19-11105617-G-A.
Other names: c.1533G>A, p.Thr511= (NM_001128844.3, NM_001128845.2, NM_001128846.2 and 5 more transcripts).
Identifiers: ClinVar variation 537790 (VCV000537790.16), dbSNP rs1415983739, ClinGen allele CA505490346.

ClinVar aggregate classification (germline): Benign/Likely benign. Review status: criteria provided, multiple submitters, no conflicts (2 of 4 stars). 4 submissions from 4 submitters: Benign (1); Likely benign (3). Last evaluated 2026-07-10.

Conditions:
Intellectual disability, autosomal dominant 16 (CSS4). Also called: COFFIN-SIRIS SYNDROME 4. Identifiers: Orphanet 1465, MedGen C3553249, MONDO:0013821, OMIM 614609.
Hereditary cancer-predisposing syndrome. Also called: Tumor predisposition; Neoplastic Syndromes, Hereditary; Hereditary Cancer Syndrome; Hereditary neoplastic syndrome. Identifiers: Orphanet 140162, MedGen C0027672, MeSH D009386, MONDO:0015356.
Rhabdoid tumor predisposition syndrome 2 (RTPS2). Identifiers: Orphanet 231108, Orphanet 69077, MedGen C2750074, MONDO:0013224, OMIM 613325.

Allele frequency attached by ClinVar (database versions not stated): gnomAD exomes below 0.00001; gnomAD 0.00001.
gnomAD v4.1: 3 of 1,613,980 alleles (0.00019%); highest among the groups gnomAD compares: African/African-American, 0.0013%; no homozygotes.

Submissions (4):

Myriad Genetics, Inc.
Classification: Benign for Rhabdoid tumor predisposition syndrome 2. Last evaluated: 2026-07-10. Review status: criteria provided, single submitter. Criteria: Myriad Autosomal Dominant, Autosomal Recessive and X-Linked Classification Criteria (2023). Collection method: clinical testing. Allele origin: unknown.
Comment: This variant is considered benign. This variant is a silent/synonymous amino acid change and it is not expected to impact splicing.

Labcorp Genetics (formerly Invitae), Labcorp
Classification: Likely benign for Rhabdoid tumor predisposition syndrome 2. Last evaluated: 2025-12-21. Review status: criteria provided, single submitter. Criteria: Invitae Variant Classification Sherloc (09022015). Collection method: clinical testing. Allele origin: germline.

Genome-Nilou Lab
Classification: Likely benign for Intellectual disability, autosomal dominant 16. Last evaluated: 2021-07-15. Review status: criteria provided, single submitter. Criteria: ACMG Guidelines, 2015. Collection method: clinical testing. Allele origin: germline. Affected: no.

Ambry Genetics
Classification: Likely benign for Hereditary cancer-predisposing syndrome. Last evaluated: 2015-08-26. Review status: criteria provided, single submitter. Criteria: Ambry Variant Classification Scheme 2023. Collection method: clinical testing. Allele origin: germline.